The following is an entry in ClinVar:

NM_002691.4(POLD1):c.2718-38A>C

Gene: POLD1 (DNA polymerase delta 1, catalytic subunit; plus strand). Cytogenetic location: 19q13.33.
Variant type: single nucleotide variant.
Coding change: c.2718-38A>C on transcript NM_002691.4 (MANE Select); 38 bases into the intron before coding-DNA position 2718, A replaced by C.
Molecular consequence: intron variant.
Genome position (GRCh38, 1-based): chr19:50,415,686, A>C. VCF-style: chr19-50415686-A-C. GRCh37 (hg19) VCF-style: chr19-50918943-A-C.
Other names: c.2718-38A>C (NM_001256849.1); c.2796-38A>C (NM_001308632.1).
Identifiers: ClinVar variation 676484 (VCV000676484.1), dbSNP rs771867309, ClinGen allele CA633897409.

ClinVar aggregate classification (germline): Likely benign (1 of 4 stars; one submission).

Submission:

GeneDx
Classification: Likely benign. Last evaluated: 2018-06-14. Review status: criteria provided, single submitter. Criteria: GeneDx Variant Classification (06012015). Collection method: clinical testing. Allele origin: germline. Affected: yes.
Comment: This variant is considered likely benign or benign based on one or more of the following criteria: it is a conservative change, it occurs at a poorly conserved position in the protein, it is predicted to be benign by multiple in silico algorithms, and/or has population frequency not consistent with disease.